The following is an entry in ClinVar:

NM_000059.4(BRCA2):c.6070C>T (p.Gln2024Ter)

Gene: BRCA2 (BRCA2 DNA repair associated; plus strand). Cytogenetic location: 13q13.1.
Variant type: single nucleotide variant.
Coding change: c.6070C>T on transcript NM_000059.4 (MANE Select); coding-DNA position 6070, C replaced by T.
Protein change: p.Gln2024Ter; replaces glutamine 2024 with a stop codon.
Molecular consequence: nonsense.
Genome position (GRCh38, 1-based): chr13:32,340,425, C>T. VCF-style: chr13-32340425-C-T. GRCh37 (hg19) VCF-style: chr13-32914562-C-T.
Other names: short protein forms Q2024*.
Identifiers: ClinVar variation 52000 (VCV000052000.24), dbSNP rs80358844, ClinGen allele CA023597.
Genomic context (GRCh38, chr13:32,340,425, plus strand): 5'-GAAGATAGTACCAAGCAAGTCTTTTCCAAAGTATTGTTTAAAAGTAACGAACATTCAGAC[C>T]AGCTCACAAGAGAAGAAAATACTGCTATACGTACTCCAGAACATTTAATATCCCAAAAAG-3'

ClinVar aggregate classification (germline): Pathogenic. Review status: reviewed by expert panel (3 of 4 stars). 8 submissions from 8 submitters: Pathogenic (1). 7 of the submissions do not count toward it. Last evaluated 2016-09-08.

Conditions:
Hereditary cancer-predisposing syndrome. Also called: Tumor predisposition; Neoplastic Syndromes, Hereditary; Hereditary Cancer Syndrome; Hereditary neoplastic syndrome. Identifiers: Orphanet 140162, MedGen C0027672, MeSH D009386, MONDO:0015356.
Hereditary breast ovarian cancer syndrome. Also called: Hereditary breast and ovarian cancer syndrome (HBOC); Hereditary breast and ovarian cancer syndrome; Hereditary breast and ovarian cancer; Hereditary breast and/or ovarian cancer syndrome; Breast and ovarian cancer; BRCA1- and BRCA2-Associated Hereditary Breast and Ovarian Cancer. Identifiers: Orphanet 145, MedGen C0677776, MeSH D061325, MONDO:0003582. Disease mechanism: loss of function.
Breast-ovarian cancer, familial, susceptibility to, 2 (BROVCA2). Also called: BRCA2 Hereditary Breast and Ovarian Cancer. Identifiers: Orphanet 145, MedGen C2675520, MONDO:0012933, OMIM 612555. Disease mechanism: loss of function.
Breast-ovarian cancer, familial, susceptibility to, 1 (BROVCA1). Also called: OVARIAN CANCER, SUSCEPTIBILITY TO; BRCA1 Hereditary Breast and Ovarian Cancer. Identifiers: Orphanet 145, MedGen C2676676, MONDO:0011450, OMIM 604370. Disease mechanism: loss of function.

Submissions (8):

Evidence-based Network for the Interpretation of Germline Mutant Alleles (ENIGMA)
Classification: Pathogenic for Breast-ovarian cancer, familial, susceptibility to, 2. Last evaluated: 2016-09-08. Review status: reviewed by expert panel. Criteria: ENIGMA BRCA1/2 Classification Criteria (2015). Collection method: curation. Allele origin: germline.
Comment: Variant allele predicted to encode a truncated non-functional protein.

Labcorp Genetics (formerly Invitae), Labcorp
Classification: Pathogenic for Hereditary breast ovarian cancer syndrome. Last evaluated: 2025-05-07. Review status: criteria provided, single submitter. Criteria: Invitae Variant Classification Sherloc (09022015). Collection method: clinical testing. Allele origin: germline. Not counted in ClinVar's aggregate classification.
Comment: This sequence change creates a premature translational stop signal (p.Gln2024*) in the BRCA2 gene. It is expected to result in an absent or disrupted protein product. Loss-of-function variants in BRCA2 are known to be pathogenic (PMID: 20104584). This variant is not present in population databases (gnomAD no frequency). This premature translational stop signal has been observed in individual(s) with personal and/or family history of breast and/or ovarian cancer (PMID: 28724667, 29446198, 30702160). ClinVar contains an entry for this variant (Variation ID: 52000). For these reasons, this variant has been classified as Pathogenic.

Ambry Genetics
Classification: Pathogenic for Hereditary cancer-predisposing syndrome. Last evaluated: 2025-04-25. Review status: criteria provided, single submitter. Criteria: Ambry Variant Classification Scheme 2023. Collection method: clinical testing. Allele origin: germline. Not counted in ClinVar's aggregate classification.
Comment: The p.Q2024* pathogenic mutation (also known as c.6070C>T), located in coding exon 10 of the BRCA2 gene, results from a C to T substitution at nucleotide position 6070. This changes the amino acid from a glutamine to a stop codon within coding exon 10. This alteration was detected in a cohort of 8085 consecutive unselected individuals diagnosed with breast cancer who underwent multi-gene panel testing (Sun J et al. Clin Cancer Res, 2017 Oct;23:6113-6119). This alteration was also identified in a large, worldwide study of BRCA1/2 mutation positive families (Rebbeck TR et al. Hum Mutat, 2018 05;39:593-620). This variant is considered to be rare based on population cohorts in the Genome Aggregation Database (gnomAD). In addition to the clinical data presented in the literature, this alteration is expected to result in loss of function by premature protein truncation or nonsense-mediated mRNA decay. As such, this alteration is interpreted as a disease-causing mutation.

Color Diagnostics, LLC DBA Color Health
Classification: Pathogenic for Hereditary cancer-predisposing syndrome. Last evaluated: 2022-03-10. Review status: criteria provided, single submitter. Criteria: ACMG Guidelines, 2015. Collection method: clinical testing. Allele origin: germline. Not counted in ClinVar's aggregate classification.
Comment: This variant changes 1 nucleotide in exon 11 of the BRCA2 gene, creating a premature translation stop signal. This variant is expected to result in an absent or non-functional protein product. This variant has been reported in 2 individuals affected with breast cancer (PMID: 28724667, DOI: 10.24075/brsmu.2021.006), and has been identified in 1 family among the CIMBA participants (PMID: 29446198). This variant has not been identified in the general population by the Genome Aggregation Database (gnomAD). Loss of BRCA2 function is a known mechanism of disease. Based on the available evidence, this variant is classified as Pathogenic.

Institute for Clinical Genetics, University Hospital TU Dresden, University Hospital TU Dresden
Classification: Pathogenic. Last evaluated: 2021-11-03. Review status: criteria provided, single submitter. Criteria: ACMG Guidelines, 2015. Collection method: clinical testing. Allele origin: germline. Not counted in ClinVar's aggregate classification.

Department of Molecular Diagnostics, Institute of Oncology Ljubljana
Classification: Pathogenic for Breast-ovarian cancer, familial, susceptibility to, 1. Last evaluated: 2020-04-02. Review status: criteria provided, single submitter. Criteria: ACMG Guidelines, 2015. Collection method: clinical testing. Allele origin: germline. Affected: yes. Not counted in ClinVar's aggregate classification.

Consortium of Investigators of Modifiers of BRCA1/2 (CIMBA), c/o University of Cambridge
Classification: Pathogenic for Breast-ovarian cancer, familial, susceptibility to, 2. Last evaluated: 2015-10-02. Review status: criteria provided, single submitter. Criteria: CIMBA Mutation Classification guidelines May 2016. Collection method: clinical testing. Allele origin: germline. Not counted in ClinVar's aggregate classification.

Breast Cancer Information Core (BIC) (BRCA2)
Classification: Pathogenic for Breast-ovarian cancer, familial 2. Last evaluated: 2003-12-23. Review status: no assertion criteria provided. Collection method: clinical testing. Allele origin: germline. Affected: yes. Observed: 1 variant allele. Not counted in ClinVar's aggregate classification.

Literature cited by the submitters: PubMed 20104584 (cited by Labcorp Genetics (formerly Invitae), Labcorp); PubMed 28724667 (cited by 3 submitters); PubMed 29446198 (cited by 3 submitters); PubMed 30702160 (cited by Labcorp Genetics (formerly Invitae), Labcorp).